The following is an entry in ClinVar:

ClinVar aggregate classification (germline): Uncertain significance. Review status: criteria provided, multiple submitters, no conflicts (2 of 4 stars). 2 submissions from 2 submitters: Uncertain significance (2). Last evaluated 2024-02-16.

Conditions:
Heterotopia, periventricular, X-linked dominant (PVNH1). Also called: PERIVENTRICULAR NODULAR HETEROTOPIA 1; X-linked periventricular heterotopia; PERIVENTRICULAR NODULAR HETEROTOPIA 4; HETEROTOPIA, PERIVENTRICULAR, 1. Identifiers: Orphanet 2149, Orphanet 82004, MedGen C1848213, MONDO:0010233, OMIM 300049.
Melnick-Needles syndrome (MNS). Also called: MELNICK-NEEDLES OSTEODYSPLASTY; OSTEODYSPLASTY OF MELNICK AND NEEDLES; Melnick-Needles Syndrome (FLNA-MNS). Identifiers: Orphanet 2484, MedGen C0025237, MONDO:0010650, OMIM 309350.
Frontometaphyseal dysplasia (FMD1). Identifiers: Orphanet 1826, MedGen C0265293, MONDO:0015942.
Oto-palato-digital syndrome, type II (OPD2). Also called: FACIOPALATOOSSEOUS SYNDROME; OPD II SYNDROME; Otopalatodigital Syndrome Type 2 (FLNA-OPD2); Otopalatodigital Syndrome, Type II. Identifiers: Orphanet 669, Orphanet 90652, MedGen C1844696, MONDO:0010571, OMIM 304120.

gnomAD v4.1: 8 of 1,206,772 alleles (0.00066%); highest among the groups gnomAD compares: South Asian, 0.0018%; no homozygotes.

Submissions (2):

Labcorp Genetics (formerly Invitae), Labcorp
Classification: Uncertain significance for Oto-palato-digital syndrome, type II; Heterotopia, periventricular, X-linked dominant; Frontometaphyseal dysplasia; Melnick-Needles syndrome. Last evaluated: 2024-02-16. Review status: criteria provided, single submitter. Criteria: Invitae Variant Classification Sherloc (09022015). Collection method: clinical testing. Allele origin: germline.
Comment: This sequence change replaces alanine, which is neutral and non-polar, with threonine, which is neutral and polar, at codon 2324 of the FLNA protein (p.Ala2324Thr). This variant is not present in population databases (gnomAD no frequency). This variant has not been reported in the literature in individuals affected with FLNA-related conditions. ClinVar contains an entry for this variant (Variation ID: 1195265). Advanced modeling of protein sequence and biophysical properties (such as structural, functional, and spatial information, amino acid conservation, physicochemical variation, residue mobility, and thermodynamic stability) performed at Invitae indicates that this missense variant is not expected to disrupt FLNA protein function with a negative predictive value of 95%. In summary, the available evidence is currently insufficient to determine the role of this variant in disease. Therefore, it has been classified as a Variant of Uncertain Significance.

GeneDx
Classification: Uncertain significance. Last evaluated: 2020-06-14. Review status: criteria provided, single submitter. Criteria: GeneDx Variant Classification Process June 2021. Collection method: clinical testing. Allele origin: germline. Affected: yes.
Comment: Not observed in large population cohorts (Lek et al., 2016); In silico analysis supports that this missense variant has a deleterious effect on protein structure/function; Has not been previously published as pathogenic or benign to our knowledge

NM_001110556.2(FLNA):c.6994G>A (p.Ala2332Thr)

Gene: FLNA (filamin A; minus strand). Cytogenetic location: Xq28.
Variant type: single nucleotide variant.
Coding change: c.6994G>A on transcript NM_001110556.2 (MANE Select); coding-DNA position 6994, G replaced by A.
Protein change: p.Ala2332Thr; replaces alanine 2332 with threonine.
Molecular consequence: missense variant.
Genome position (GRCh38, 1-based): chrX:154,351,610, C>T on the plus strand (G>A on the coding strand, the complement: FLNA is on the minus strand). VCF-style: chrX-154351610-C-T. GRCh37 (hg19) VCF-style: chrX-153579978-C-T.
Other names: c.6970G>A, p.Ala2324Thr (NM_001456.4); short protein forms A2324T, A2332T.
Identifiers: ClinVar variation 1195265 (VCV001195265.7), dbSNP rs2148103050, ClinGen allele CA415185577.
Genomic context (GRCh38, chrX:154,351,610, plus strand): 5'-CCCAGGTGGGCGGTTTCTCTCGGTGCCTCACCTGAAGGCTAGAAACAGTGAGGCGGCGGG[C>T]GTCGCCAGACGGAGAAGCCACAGGCACCACGAAGGGGCTGTCGGGAATGTGTTCCTCGTT-3'
Protein context (NP_001104026.1, residues 2322-2342): VVPVASPSGD[Ala2332Thr]RRLTVSSLQE